The following is an entry in ClinVar:

ClinVar aggregate classification (germline): Uncertain significance. Review status: criteria provided, multiple submitters, no conflicts (2 of 4 stars). 3 submissions from 3 submitters: Uncertain significance (2). 1 of the submissions does not count toward it. Last evaluated 2021-08-13.

Conditions:
Retinitis pigmentosa 25 (RP25). Identifiers: Orphanet 791, MedGen C1864446, MONDO:0011272, OMIM 602772.

Allele frequency attached by ClinVar (database versions not stated): gnomAD exomes 0.00001.
gnomAD v4.1: 6 of 1,547,078 alleles (0.00039%); highest among the groups gnomAD compares: Non-Finnish European, 0.00052%; no homozygotes.

Submissions (3):

Labcorp Genetics (formerly Invitae), Labcorp
Classification: Uncertain significance. Last evaluated: 2021-08-13. Review status: criteria provided, single submitter. Criteria: Invitae Variant Classification Sherloc (09022015). Collection method: clinical testing. Allele origin: germline.
Comment: This sequence change replaces aspartic acid with glutamic acid at codon 966 of the EYS protein (p.Asp966Glu). The aspartic acid residue is moderately conserved and there is a small physicochemical difference between aspartic acid and glutamic acid. This variant is not present in population databases (ExAC no frequency). This variant has not been reported in the literature in individuals affected with EYS-related conditions. Algorithms developed to predict the effect of missense changes on protein structure and function output the following: SIFT: "Tolerated"; PolyPhen-2: "Benign"; Align-GVGD: "Class C0". The glutamic acid amino acid residue is found in multiple mammalian species, which suggests that this missense change does not adversely affect protein function. Algorithms developed to predict the effect of sequence changes on RNA splicing suggest that this variant may create or strengthen a splice site. In summary, the available evidence is currently insufficient to determine the role of this variant in disease. Therefore, it has been classified as a Variant of Uncertain Significance.

Blueprint Genetics
Classification: Uncertain significance. Last evaluated: 2020-09-19. Review status: criteria provided, single submitter. Criteria: ACMG Guidelines, 2015. Collection method: clinical testing. Allele origin: germline.

Natera, Inc.
Classification: Uncertain significance for Retinitis pigmentosa type 25. Last evaluated: 2021-01-27. Review status: no assertion criteria provided. Collection method: clinical testing. Allele origin: germline. Not counted in ClinVar's aggregate classification.

NM_001142800.2(EYS):c.2898T>G (p.Asp966Glu)

Gene: EYS (EGF-like photoreceptor maintenance factor; minus strand). Cytogenetic location: 6q12.
Variant type: single nucleotide variant.
Coding change: c.2898T>G on transcript NM_001142800.2 (MANE Select); coding-DNA position 2898, T replaced by G.
Protein change: p.Asp966Glu; replaces aspartic acid 966 with glutamic acid.
Molecular consequence: missense variant.
Genome position (GRCh38, 1-based): chr6:64,886,791, A>C on the plus strand (T>G on the coding strand, the complement: EYS is on the minus strand). VCF-style: chr6-64886791-A-C. GRCh37 (hg19) VCF-style: chr6-65596684-A-C.
Other names: c.2898T>G, p.Asp966Glu (NM_001292009.2); short protein forms D966E.
Identifiers: ClinVar variation 1011002 (VCV001011002.8), dbSNP rs1248778370, ClinGen allele CA364788805.